The following is an entry in ClinVar:

NC_000016.9:g.(?_2093854)_(2096278_?)del

Gene: NTHL1 (nth like DNA glycosylase 1; minus strand). Cytogenetic location: 16p13.3.
Variant type: Deletion.
Identifiers: ClinVar variation 2424478 (VCV002424478.4).

ClinVar aggregate classification (germline): Likely pathogenic (1 of 4 stars; one submission).

Submission:

Labcorp Genetics (formerly Invitae), Labcorp
Classification: Likely pathogenic. Last evaluated: 2022-05-03. Review status: criteria provided, single submitter. Criteria: Invitae Variant Classification Sherloc (09022015). Collection method: clinical testing. Allele origin: germline.
Comment: This variant results in the deletion of exon 3 and part of exon 2 (c.229_550-127del) of the NTHL1 gene. It is expected to disrupt RNA splicing. Variants that disrupt the donor or acceptor splice site typically lead to a loss of protein function (PMID: 16199547), and loss-of-function variants in NTHL1 are known to be pathogenic (PMID: 25938944, 26559593). This variant has not been reported in the literature in individuals affected with NTHL1-related conditions. In summary, the currently available evidence indicates that the variant is pathogenic, but additional data are needed to prove that conclusively. Therefore, this variant has been classified as Likely Pathogenic.

Literature cited by the submitters: PubMed 16199547; PubMed 25938944; PubMed 26559593.